The following is an entry in ClinVar:

ClinVar aggregate classification (germline): Uncertain significance (1 of 4 stars; one submission).

Conditions:
Nance-Horan syndrome (NHS). Identifiers: Orphanet 627, MedGen C0796085, MONDO:0010545, OMIM 302350.

Allele frequency attached by ClinVar (database versions not stated): gnomAD exomes below 0.00001; ExAC 0.00001; gnomAD 0.00001; TOPMed 0.00001.
gnomAD v4.1: 4 of 1,207,661 alleles (0.00033%); highest among the groups gnomAD compares: Non-Finnish European, 0.00045%; no homozygotes.

Submission:

Labcorp Genetics (formerly Invitae), Labcorp
Classification: Uncertain significance for Nance-Horan syndrome. Last evaluated: 2022-10-14. Review status: criteria provided, single submitter. Criteria: Invitae Variant Classification Sherloc (09022015). Collection method: clinical testing. Allele origin: germline.
Comment: Variants that disrupt the consensus splice site are a relatively common cause of aberrant splicing (PMID: 17576681, 9536098). Algorithms developed to predict the effect of sequence changes on RNA splicing suggest that this variant is not likely to affect RNA splicing. This variant has not been reported in the literature in individuals affected with NHS-related conditions. This variant is present in population databases (rs751413079, gnomAD 0.001%), including at least one homozygous and/or hemizygous individual. This sequence change falls in intron 2 of the NHS gene. It does not directly change the encoded amino acid sequence of the NHS protein. It affects a nucleotide within the consensus splice site. In summary, the available evidence is currently insufficient to determine the role of this variant in disease. Therefore, it has been classified as a Variant of Uncertain Significance.

Literature cited by the submitters: PubMed 17576681; PubMed 9536098.

NM_001291867.2(NHS):c.719-3C>T

Gene: NHS (NHS actin remodeling regulator; plus strand). Cytogenetic location: Xp22.13.
Variant type: single nucleotide variant.
Coding change: c.719-3C>T on transcript NM_001291867.2 (MANE Select); 3 bases into the intron before coding-DNA position 719, C replaced by T.
Molecular consequence: intron variant.
Genome position (GRCh38, 1-based): chrX:17,692,332, C>T. VCF-style: chrX-17692332-C-T. GRCh37 (hg19) VCF-style: chrX-17710452-C-T.
Other names: c.719-3C>T (NM_198270.4); c.188-3C>T (NM_001136024.4, NM_001291868.2).
Identifiers: ClinVar variation 2168145 (VCV002168145.4), dbSNP rs751413079, ClinGen allele CA10358527.
Genomic context (GRCh38, chrX:17,692,332, plus strand): 5'-GGGGAAAAGAGAAATTGAAAATGCCAAGTGTATTTCAGTATTACTGCTTTTTCTCCTTCT[C>T]AGAACACCGGAGCCGGAGCGATCGCCGAGAGCAAAGAGCAGCTGCCCCCCTTTCCATTGC-3'